The following is an entry in ClinVar:

NM_005751.5(AKAP9):c.8221G>A (p.Ala2741Thr)

Gene: AKAP9 (A-kinase anchoring protein 9; plus strand). Cytogenetic location: 7q21.2.
Variant type: single nucleotide variant.
Coding change: c.8221G>A on transcript NM_005751.5 (MANE Select); coding-DNA position 8221, G replaced by A.
Protein change: p.Ala2741Thr; replaces alanine 2741 with threonine.
Molecular consequence: missense variant.
Genome position (GRCh38, 1-based): chr7:92,083,230, G>A. VCF-style: chr7-92083230-G-A. GRCh37 (hg19) VCF-style: chr7-91712544-G-A.
Other names: c.2866G>A, p.Ala956Thr (NM_001379277.1); c.8197G>A, p.Ala2733Thr (NM_147185.3); short protein forms A2733T, A2741T, A956T.
Identifiers: ClinVar variation 1762522 (VCV001762522.7), dbSNP rs368001901, ClinGen allele CA4337456.
Genomic context (GRCh38, chr7:92,083,230, plus strand): 5'-GTAAAAGAAACAAATATGACATCTCTTCAGAAAGACTTAAGCCAAGTTAGGGATCACCTC[G>A]CAGAGGCAAAAGAGAAATTGTCCATTTTAGAAAAAGAAGATGAGACTGAGGTACAAGAAA-3'
Protein context (NP_005742.4, residues 2731-2751): KDLSQVRDHL[Ala2741Thr]EAKEKLSILE

ClinVar aggregate classification (germline): Conflicting classifications of pathogenicity. Review status: criteria provided, conflicting classifications (1 of 4 stars). 2 submissions from 2 submitters: Uncertain significance (1); Likely benign (1). Last evaluated 2024-05-22.

Conditions:
Cardiovascular phenotype. Identifiers: MedGen CN230736.
Long QT syndrome (LQTS). Identifiers: MedGen C0023976, MeSH D008133, MONDO:0002442. Disease mechanism: loss of function. Inheritance: Various modes of inheritance.

Allele frequency attached by ClinVar (database versions not stated): gnomAD 0.00001; TOPMed 0.00001; gnomAD exomes 0.00002; ExAC 0.00004; 1000 Genomes Project 30x 0.00016; 1000 Genomes Project 0.00020; ESP Exome Variant Server 0.00023.
gnomAD v4.1: 29 of 1,613,976 alleles (0.0018%); highest among the groups gnomAD compares: South Asian, 0.0044%; no homozygotes.

Submissions (2):

Labcorp Genetics (formerly Invitae), Labcorp
Classification: Uncertain significance for Long QT syndrome. Last evaluated: 2024-05-22. Review status: criteria provided, single submitter. Criteria: Invitae Variant Classification Sherloc (09022015). Collection method: clinical testing. Allele origin: germline.
Comment: This sequence change replaces alanine, which is neutral and non-polar, with threonine, which is neutral and polar, at codon 2741 of the AKAP9 protein (p.Ala2741Thr). This variant is present in population databases (rs368001901, gnomAD 0.004%). This variant has not been reported in the literature in individuals affected with AKAP9-related conditions. ClinVar contains an entry for this variant (Variation ID: 1762522). Algorithms developed to predict the effect of missense changes on protein structure and function output the following: SIFT: "Not Available"; PolyPhen-2: "Benign"; Align-GVGD: "Not Available". The threonine amino acid residue is found in multiple mammalian species, which suggests that this missense change does not adversely affect protein function. In summary, the available evidence is currently insufficient to determine the role of this variant in disease. Therefore, it has been classified as a Variant of Uncertain Significance.

Ambry Genetics
Classification: Likely benign for Cardiovascular phenotype. Last evaluated: 2022-06-10. Review status: criteria provided, single submitter. Criteria: Ambry Variant Classification Scheme 2023. Collection method: clinical testing. Allele origin: germline.